The following is an entry in ClinVar:

NM_006258.4(PRKG1):c.722C>T (p.Pro241Leu)

Gene: PRKG1 (protein kinase cGMP-dependent 1; plus strand). Cytogenetic location: 10q21.1.
Variant type: single nucleotide variant.
Coding change: c.722C>T on transcript NM_006258.4 (MANE Select); coding-DNA position 722, C replaced by T.
Protein change: p.Pro241Leu; replaces proline 241 with leucine.
Molecular consequence: missense variant.
Genome position (GRCh38, 1-based): chr10:51,907,530, C>T. VCF-style: chr10-51907530-C-T. GRCh37 (hg19) VCF-style: chr10-53667290-C-T.
Other names: c.677C>T, p.Pro226Leu (NM_001098512.3); c.722C>T, p.Pro241Leu (NM_001374782.1); short protein forms P226L, P241L.
Identifiers: ClinVar variation 3381738 (VCV003381738.1).

ClinVar aggregate classification (germline): Uncertain significance (1 of 4 stars; one submission).

gnomAD v4.1: 1 of 1,613,622 alleles (0.000062%); highest among the groups gnomAD compares: Non-Finnish European, 0.000085%; no homozygotes.

Submission:

GeneDx
Classification: Uncertain significance. Last evaluated: 2024-05-21. Review status: criteria provided, single submitter. Criteria: GeneDx Variant Classification Process June 2021. Collection method: clinical testing. Allele origin: germline. Affected: yes.
Comment: Not observed at significant frequency in large population cohorts (gnomAD); In silico analysis supports that this missense variant has a deleterious effect on protein structure/function; Has not been previously published as pathogenic or benign to our knowledge